The following is an entry in ClinVar:

NM_001042472.3(ABHD12):c.405C>T (p.Asp135=)

Gene: ABHD12 (abhydrolase domain containing 12, lysophospholipase; minus strand). Cytogenetic location: 20p11.21.
Variant type: single nucleotide variant.
Coding change: c.405C>T on transcript NM_001042472.3 (MANE Select); coding-DNA position 405, C replaced by T.
Protein change: p.Asp135=; no amino-acid change (aspartic acid 135 retained).
Molecular consequence: synonymous variant.
Genome position (GRCh38, 1-based): chr20:25,323,342, G>A on the plus strand (C>T on the coding strand, the complement: ABHD12 is on the minus strand). VCF-style: chr20-25323342-G-A. GRCh37 (hg19) VCF-style: chr20-25303978-G-A.
Other names: p.Asp135=; c.405C>T, p.Asp135= (NM_015600.5).
Identifiers: ClinVar variation 1103263 (VCV001103263.11), dbSNP rs147070618, ClinGen allele CA9796165.
Genomic context (GRCh38, chr20:25,323,342, plus strand): 5'-CTTTCCTGCTGCTGGAGGGGCTGCAGAGCTCACTGGCACTCACCAGACTCCAATGGTCAC[G>A]TCTTCCTCTGGCTGCAGGTAGTAGTTACACGTGTGATTCAAACCTTGATCCTGTGGTTTT-3'
Protein context (NP_001035937.1, residues 125-145): TCNYYLQPEE[Asp135=]VTIGVWHTVP

ClinVar aggregate classification (germline): Likely benign. Review status: criteria provided, multiple submitters, no conflicts (2 of 4 stars). 3 submissions from 3 submitters: Likely benign (3). Last evaluated 2025-08-11.

gnomAD v4.1: 119 of 1,613,482 alleles (0.0074%); highest among the groups gnomAD compares: Non-Finnish European, 0.0089%; no homozygotes.

Submissions (3):

Mayo Clinic Laboratories, Mayo Clinic
Classification: Likely benign. Last evaluated: 2025-08-11. Review status: criteria provided, single submitter. Criteria: ACMG Guidelines, 2015. Collection method: clinical testing. Allele origin: germline. Observed: 1 variant allele.
Comment: BP4, BP7

Labcorp Genetics (formerly Invitae), Labcorp
Classification: Likely benign. Last evaluated: 2024-09-20. Review status: criteria provided, single submitter. Criteria: Invitae Variant Classification Sherloc (09022015). Collection method: clinical testing. Allele origin: germline.

Blueprint Genetics
Classification: Likely benign. Last evaluated: 2021-06-20. Review status: criteria provided, single submitter. Criteria: ACMG Guidelines, 2015. Collection method: clinical testing. Allele origin: germline.